The following is an entry in ClinVar:

NM_018043.7(ANO1):c.2484C>T (p.His828=)

Gene: ANO1 (anoctamin 1; plus strand). Cytogenetic location: 11q13.3.
Variant type: single nucleotide variant.
Coding change: c.2484C>T on transcript NM_018043.7 (MANE Select); coding-DNA position 2484, C replaced by T.
Protein change: p.His828=; no amino-acid change (histidine 828 retained).
Molecular consequence: synonymous variant. On other transcripts: non-coding transcript variant (1).
Genome position (GRCh38, 1-based): chr11:70,182,582, C>T. VCF-style: chr11-70182582-C-T. GRCh37 (hg19) VCF-style: chr11-70028688-C-T.
Other names: c.2673C>T, p.His891= (NM_001378092.1); c.2472C>T, p.His824= (NM_001378093.1, NM_001378094.2, NM_001378095.2); c.2394C>T, p.His798= (NM_001378096.2); c.2307C>T, p.His769= (NM_001378097.2).
Identifiers: ClinVar variation 4912879 (VCV004912879.2).

ClinVar aggregate classification (germline): Likely benign. Review status: criteria provided, multiple submitters, no conflicts (2 of 4 stars). 2 submissions from 2 submitters: Likely benign (2). Last evaluated 2026-08-01.

gnomAD v4.1: 464 of 1,613,694 alleles (0.029%); highest among the groups gnomAD compares: African/African-American, 0.54%; 3 homozygotes.

Submissions (2):

CeGaT Center for Human Genetics Tuebingen
Classification: Likely benign. Last evaluated: 2026-08-01. Review status: criteria provided, single submitter. Criteria: CeGaT Center For Human Genetics Tuebingen Variant Classification Criteria Version 2. Collection method: clinical testing. Allele origin: germline. Affected: yes. Observed: 1 variant allele.
Comment: ANO1: BP4, BP7

Blueprint Genetics
Classification: Likely benign. Last evaluated: 2024-11-11. Review status: criteria provided, single submitter. Criteria: ACMG Guidelines, 2015. Collection method: clinical testing. Allele origin: germline.